The following is an entry in ClinVar:

NM_001367561.1(DOCK7):c.4368G>A (p.Glu1456=)

Gene: DOCK7 (dedicator of cytokinesis 7; minus strand). Cytogenetic location: 1p31.3.
Variant type: single nucleotide variant.
Coding change: c.4368G>A on transcript NM_001367561.1 (MANE Select); coding-DNA position 4368, G replaced by A.
Protein change: p.Glu1456=; no amino-acid change (glutamic acid 1456 retained).
Molecular consequence: synonymous variant.
Genome position (GRCh38, 1-based): chr1:62,510,588, C>T on the plus strand (G>A on the coding strand, the complement: DOCK7 is on the minus strand). VCF-style: chr1-62510588-C-T. GRCh37 (hg19) VCF-style: chr1-62976259-C-T.
Other names: c.4341G>A, p.Glu1447= (NM_001271999.2, NM_001330614.2); c.4248G>A, p.Glu1416= (NM_001272000.2, NM_001272001.2); c.4275G>A, p.Glu1425= (NM_033407.4).
Identifiers: ClinVar variation 585796 (VCV000585796.48), dbSNP rs149367921, ClinGen allele CA885729.

ClinVar aggregate classification (germline): Likely benign. Review status: criteria provided, multiple submitters, no conflicts (2 of 4 stars). 6 submissions from 6 submitters: Likely benign (6). Last evaluated 2026-01-19.

Conditions:
Developmental and epileptic encephalopathy, 23 (DEE23). Also called: Epileptic encephalopathy, early infantile, 23. Identifiers: Orphanet 411986, MedGen C4014492, MONDO:0014371, OMIM 615859.

Allele frequency attached by ClinVar (database versions not stated): ESP Exome Variant Server 0.00015; gnomAD exomes 0.00023 and 0.00051; ExAC 0.00032; TOPMed 0.00032; gnomAD 0.00034 and 0.00036.
gnomAD v4.1: 411 of 1,612,920 alleles (0.025%); highest among the groups gnomAD compares: Admixed American, 0.005%; 1 homozygote.

Submissions (6):

Labcorp Genetics (formerly Invitae), Labcorp
Classification: Likely benign for Developmental and epileptic encephalopathy, 23. Last evaluated: 2026-01-19. Review status: criteria provided, single submitter. Criteria: Invitae Variant Classification Sherloc (09022015). Collection method: clinical testing. Allele origin: germline.

CeGaT Center for Human Genetics Tuebingen
Classification: Likely benign. Last evaluated: 2026-01-01. Review status: criteria provided, single submitter. Criteria: CeGaT Center For Human Genetics Tuebingen Variant Classification Criteria Version 2. Collection method: clinical testing. Allele origin: germline. Affected: yes. Observed: 3 variant alleles.
Comment: DOCK7: BP4

Blueprint Genetics
Classification: Likely benign. Last evaluated: 2023-11-07. Review status: criteria provided, single submitter. Criteria: ACMG Guidelines, 2015. Collection method: clinical testing. Allele origin: germline.

Genome-Nilou Lab
Classification: Likely benign for Developmental and epileptic encephalopathy, 23. Last evaluated: 2023-04-11. Review status: criteria provided, single submitter. Criteria: ACMG Guidelines, 2015. Collection method: clinical testing. Allele origin: germline. Affected: no.

Athena Diagnostics
Classification: Likely benign. Last evaluated: 2018-05-15. Review status: criteria provided, single submitter. Criteria: Athena Diagnostics Criteria. Collection method: clinical testing. Allele origin: germline.

Breakthrough Genomics
Classification: Likely benign. Review status: criteria provided, single submitter. Criteria: ACMG Guidelines, 2015. Collection method: not provided. Allele origin: germline. Inheritance: Autosomal recessive inheritance. Affected: yes.